The following is an entry in ClinVar:

NM_001148.6(ANK2):c.256A>T (p.Arg86Ter)

Gene: ANK2 (ankyrin 2; plus strand). Cytogenetic location: 4q25.
Variant type: single nucleotide variant.
Coding change: c.256A>T on transcript NM_001148.6 (MANE Select); coding-DNA position 256, A replaced by T.
Protein change: p.Arg86Ter; replaces arginine 86 with a stop codon.
Molecular consequence: nonsense.
Genome position (GRCh38, 1-based): chr4:113,196,437, A>T. VCF-style: chr4-113196437-A-T. GRCh37 (hg19) VCF-style: chr4-114117593-A-T.
Other names: c.193A>T, p.Arg65Ter (NM_001386156.1, NM_001386157.1, NM_001386158.1 and 33 more transcripts); c.238A>T, p.Arg80Ter (NM_001386160.1, NM_001354261.2, NM_001386147.1); c.307A>T, p.Arg103Ter (NM_001386174.1, NM_001386175.1); c.244A>T, p.Arg82Ter (NM_001386186.2, NM_001386187.2, NM_001354269.3 and 1 more transcripts); c.256A>T, p.Arg86Ter (NM_001354225.2, NM_001354228.2, NM_001354232.2 and 9 more transcripts); c.301A>T, p.Arg101Ter (NM_001354230.2, NM_001354231.2, NM_001354237.2 and 5 more transcripts); short protein forms R101*, R103*, R65*, R80*, R82*, R86*.
Identifiers: ClinVar variation 4853937 (VCV004853937.1).

ClinVar aggregate classification (germline): Likely pathogenic (1 of 4 stars; one submission).

Conditions:
ANK2-related disorder. Also called: ANK2-related condition.

Submission:

3billion
Classification: Likely pathogenic for ANK2-related disorder. Last evaluated: 2025-12-08. Review status: criteria provided, single submitter. Criteria: ACMG Guidelines, 2015. Collection method: clinical testing. Allele origin: germline. Affected: yes.
Comment: The variant is not observed in the gnomAD v4.1.0 dataset. Predicted Consequence/Location: Stop-gained (nonsense): predicted to result in a loss or disruption of normal protein function through nonsense-mediated decay (NMD) or protein truncation. Multiple pathogenic variants are reported downstream of the variant. Therefore, this variant is classified as Likely pathogenic according to the recommendation of ACMG/AMP guideline.